The following is an entry in ClinVar:

ClinVar aggregate classification (germline): Uncertain significance. Review status: criteria provided, multiple submitters, no conflicts (2 of 4 stars). 2 submissions from 2 submitters: Uncertain significance (2). Last evaluated 2026-02-01.

Conditions:
Hereditary pulmonary alveolar proteinosis. Also called: Pulmonary surfactant metabolism dysfunction. Identifiers: Orphanet 264675, MedGen C3711368, MONDO:0012580.

Allele frequency attached by ClinVar (database versions not stated): gnomAD 0.00001; TOPMed 0.00001; ESP Exome Variant Server 0.00008.
gnomAD v4.1: 22 of 1,613,292 alleles (0.0014%); highest among the groups gnomAD compares: Middle Eastern, 0.017%; no homozygotes.

Submissions (2):

Labcorp Genetics (formerly Invitae), Labcorp
Classification: Uncertain significance. Last evaluated: 2026-02-01. Review status: criteria provided, single submitter. Criteria: Invitae Variant Classification Sherloc (09022015). Collection method: clinical testing. Allele origin: germline.
Comment: This sequence change replaces aspartic acid, which is acidic and polar, with asparagine, which is neutral and polar, at codon 1168 of the ABCA3 protein (p.Asp1168Asn). This variant is present in population databases (rs146280732, gnomAD 0.006%). This variant has not been reported in the literature in individuals affected with ABCA3-related conditions. ClinVar contains an entry for this variant (Variation ID: 2370313). Invitae Evidence Modeling of protein sequence and biophysical properties (such as structural, functional, and spatial information, amino acid conservation, physicochemical variation, residue mobility, and thermodynamic stability) indicates that this missense variant is not expected to disrupt ABCA3 protein function with a negative predictive value of 80%. In summary, the available evidence is currently insufficient to determine the role of this variant in disease. Therefore, it has been classified as a Variant of Uncertain Significance.

Ambry Genetics
Classification: Uncertain significance for Hereditary pulmonary alveolar proteinosis. Last evaluated: 2022-07-22. Review status: criteria provided, single submitter. Criteria: Ambry Variant Classification Scheme 2023. Collection method: clinical testing. Allele origin: germline.

NM_001089.3(ABCA3):c.3502G>A (p.Asp1168Asn)

Gene: ABCA3 (ATP binding cassette subfamily A member 3; minus strand). Cytogenetic location: 16p13.3.
Variant type: single nucleotide variant.
Coding change: c.3502G>A on transcript NM_001089.3 (MANE Select); coding-DNA position 3502, G replaced by A.
Protein change: p.Asp1168Asn; replaces aspartic acid 1168 with asparagine.
Molecular consequence: missense variant.
Genome position (GRCh38, 1-based): chr16:2,284,980, C>T on the plus strand (G>A on the coding strand, the complement: ABCA3 is on the minus strand). VCF-style: chr16-2284980-C-T. GRCh37 (hg19) VCF-style: chr16-2334981-C-T.
Other names: short protein forms D1168N.
Identifiers: ClinVar variation 2370313 (VCV002370313.3), dbSNP rs146280732, ClinGen allele CA276822454.